The following is an entry in ClinVar:

NM_182961.4(SYNE1):c.26177C>T (p.Ser8726Phe)

Genes: ESR1 (estrogen receptor 1; plus strand), SYNE1 (spectrin repeat containing nuclear envelope protein 1; minus strand). Cytogenetic location: 6q25.2.
Variant type: single nucleotide variant.
Coding change: c.26177C>T on transcript NM_182961.4 (MANE Select); coding-DNA position 26177, C replaced by T.
Protein change: p.Ser8726Phe; replaces serine 8726 with phenylalanine.
Molecular consequence: missense variant. On other transcripts: synonymous variant (1), intron variant (1).
Genome position (GRCh38, 1-based): chr6:152,122,653, G>A on the plus strand (C>T on the coding strand, the complement: SYNE1 is on the minus strand). VCF-style: chr6-152122653-G-A. GRCh37 (hg19) VCF-style: chr6-152443788-G-A.
Other names: c.2724C>T, p.Phe908= (NM_001347701.2); c.2711C>T, p.Ser904Phe (NM_001347702.2); c.26033C>T, p.Ser8678Phe (NM_033071.5); c.851-2613G>A (NM_001328100.2); short protein forms S8678F, S8726F, S904F.
Identifiers: ClinVar variation 662547 (VCV000662547.12), dbSNP rs751627369, ClinGen allele CA4052612.

ClinVar aggregate classification (germline): Uncertain significance (1 of 4 stars; one submission).

Conditions:
Autosomal recessive ataxia, Beauce type. Also called: Spinocerebellar ataxia, autosomal recessive 8; ATAXIA, RECESSIVE, OF BEAUCE; SYNE1 Deficiency; SYNE1-Related Autosomal Recessive Cerebellar Ataxia. Identifiers: Orphanet 88644, MedGen C1853116, MONDO:0012549, OMIM 610743.
Emery-Dreifuss muscular dystrophy 4, autosomal dominant (EDMD4). Also called: EMERY-DREIFUSS MUSCULAR DYSTROPHY 4 WITH VARIABLE FEATURES. Identifiers: Orphanet 261, MedGen C2751807, MONDO:0013071, OMIM 612998.

Allele frequency attached by ClinVar (database versions not stated): gnomAD exomes 0.00001; ExAC 0.00001.
gnomAD v4.1: 4 of 1,614,028 alleles (0.00025%); highest among the groups gnomAD compares: Non-Finnish European, 0.00034%; no homozygotes.

Submission:

Labcorp Genetics (formerly Invitae), Labcorp
Classification: Uncertain significance for Emery-Dreifuss muscular dystrophy 4, autosomal dominant; Autosomal recessive ataxia, Beauce type. Last evaluated: 2022-11-01. Review status: criteria provided, single submitter. Criteria: Invitae Variant Classification Sherloc (09022015). Collection method: clinical testing. Allele origin: germline.
Comment: Algorithms developed to predict the effect of missense changes on protein structure and function are either unavailable or do not agree on the potential impact of this missense change (SIFT: "Deleterious"; PolyPhen-2: "Benign"; Align-GVGD: "Class C0"). ClinVar contains an entry for this variant (Variation ID: 662547). This variant has not been reported in the literature in individuals affected with SYNE1-related conditions. This variant is present in population databases (rs751627369, gnomAD 0.002%). This sequence change replaces serine, which is neutral and polar, with phenylalanine, which is neutral and non-polar, at codon 8678 of the SYNE1 protein (p.Ser8678Phe). In summary, the available evidence is currently insufficient to determine the role of this variant in disease. Therefore, it has been classified as a Variant of Uncertain Significance.